The following is an entry in ClinVar:

NM_001122681.2(SH3BP2):c.1665C>T (p.Tyr555=)

Gene: SH3BP2 (SH3 domain binding protein 2; plus strand). Cytogenetic location: 4p16.3.
Variant type: single nucleotide variant.
Coding change: c.1665C>T on transcript NM_001122681.2 (MANE Select); coding-DNA position 1665, C replaced by T.
Protein change: p.Tyr555=; no amino-acid change (tyrosine 555 retained).
Molecular consequence: synonymous variant.
Genome position (GRCh38, 1-based): chr4:2,833,813, C>T. VCF-style: chr4-2833813-C-T. GRCh37 (hg19) VCF-style: chr4-2835540-C-T.
Other names: c.1749C>T, p.Tyr583= (NM_001145855.2); c.1836C>T, p.Tyr612= (NM_001145856.2); c.1665C>T, p.Tyr555= (NM_003023.4).
Identifiers: ClinVar variation 740775 (VCV000740775.14), dbSNP rs368135013, ClinGen allele CA2819655.

ClinVar aggregate classification (germline): Benign/Likely benign. Review status: criteria provided, multiple submitters, no conflicts (2 of 4 stars). 4 submissions from 4 submitters: Benign (1); Likely benign (2). 1 of the submissions does not count toward it. Last evaluated 2026-01-05.

Conditions:
SH3BP2-related disorder. Also called: SH3BP2-related condition.
Fibrous dysplasia of jaw (CRBM). Also called: Cherubism. Identifiers: Orphanet 184, MedGen C0008029, MONDO:0007315, OMIM 118400.

Allele frequency attached by ClinVar (database versions not stated): ESP Exome Variant Server 0.00008; gnomAD 0.00009; gnomAD exomes 0.00009; TOPMed 0.00011; ExAC 0.00013.
gnomAD v4.1: 146 of 1,582,080 alleles (0.0092%); highest among the groups gnomAD compares: Middle Eastern, 0.017%; no homozygotes.

Submissions (4):

Women's Health and Genetics/Laboratory Corporation of America, LabCorp
Classification: Benign. Last evaluated: 2026-01-05. Review status: criteria provided, single submitter. Criteria: LabCorp Variant Classification Summary - May 2015. Collection method: clinical testing. Allele origin: germline.

Labcorp Genetics (formerly Invitae), Labcorp
Classification: Likely benign for Fibrous dysplasia of jaw. Last evaluated: 2025-09-29. Review status: criteria provided, single submitter. Criteria: Invitae Variant Classification Sherloc (09022015). Collection method: clinical testing. Allele origin: germline.

Blueprint Genetics
Classification: Likely benign. Last evaluated: 2023-06-14. Review status: criteria provided, single submitter. Criteria: ACMG Guidelines, 2015. Collection method: clinical testing. Allele origin: germline.

PreventionGenetics, part of Exact Sciences
Classification: Likely benign for SH3BP2-related condition. Last evaluated: 2019-06-12. Review status: no assertion criteria provided. Collection method: clinical testing. Allele origin: germline. Not counted in ClinVar's aggregate classification.
Comment: This variant is classified as likely benign based on ACMG/AMP sequence variant interpretation guidelines (Richards et al. 2015 PMID: 25741868, with internal and published modifications).